The following is an entry in ClinVar:

NM_001903.5(CTNNA1):c.1230_1238dup (p.Asn412_Glu413insAspGlyAsn)

Gene: CTNNA1 (catenin alpha 1; plus strand). Cytogenetic location: 5q31.2.
Variant type: Duplication.
Coding change: c.1230_1238dup on transcript NM_001903.5 (MANE Select); coding-DNA positions 1230 to 1238, 9 bases duplicated (TGGAAATGA; older notation c.1230_1238dupTGGAAATGA).
Protein change: p.Asn412_Glu413insAspGlyAsn.
Molecular consequence: inframe insertion. On other transcripts: 5 prime UTR variant (5), intron variant (2).
Genome position (GRCh38, 1-based): chr5:138,887,576-138,887,584, TGGAAATGA duplicated; duplicating any 9 consecutive bases within chr5:138,887,575-138,887,584 gives the same sequence; the c. name uses the placement nearest the transcript's 3' end. VCF-style (leftmost placement, unchanged base first): chr5-138887574-A-AATGGAAATG. GRCh37 (hg19) VCF-style: chr5-138223263-A-AATGGAAATG.
Other names: c.1230_1238dup, p.Asn412_Glu413insAspGlyAsn (NM_001323984.2, NM_001323985.2, NM_001323986.2 and 3 more transcripts); c.120_128dup, p.Asn42_Glu43insAspGlyAsn (NM_001323987.1, NM_001323988.1, NM_001323989.1 and 18 more transcripts); c.-278_-270dup (NM_001324006.1, NM_001324007.1, NM_001324008.1 and 1 more transcripts); c.-153_-145dup (NM_001324013.1); c.-58+11979_-58+11987dup (NM_001324012.1); c.-61+11979_-61+11987dup (NM_001324010.1); c.921_929dup, p.Asn309_Glu310insAspGlyAsn (NM_001290309.3); c.861_869dup, p.Asn289_Glu290insAspGlyAsn (NM_001290310.3).
Identifiers: ClinVar variation 2100133 (VCV002100133.4), dbSNP rs2533014743, ClinGen allele CA2580072897.
Genomic context (GRCh38, chr5:138,887,574, plus strand): 5'-GTTTCAGATTCTTTCCTGGAAACCAATGTTCCACTTTTGGTATTGATTGAAGCTGCAAAG[A>AATGGAAATG]ATGGAAATGAGAAAGAAGTTAAGGAGTATGCCCAAGTTTTCCGTGAACATGCCAACAAAT-3'

ClinVar aggregate classification (germline): Uncertain significance (1 of 4 stars; one submission).

Submission:

Labcorp Genetics (formerly Invitae), Labcorp
Classification: Uncertain significance. Last evaluated: 2022-02-20. Review status: criteria provided, single submitter. Criteria: Invitae Variant Classification Sherloc (09022015). Collection method: clinical testing. Allele origin: germline.
Comment: In summary, the available evidence is currently insufficient to determine the role of this variant in disease. Therefore, it has been classified as a Variant of Uncertain Significance. This variant, c.1230_1238dup, results in the insertion of 3 amino acid(s) of the CTNNA1 protein (p.Asn412_Glu413insAspGlyAsn), but otherwise preserves the integrity of the reading frame. This variant is not present in population databases (gnomAD no frequency). Experimental studies and prediction algorithms are not available or were not evaluated, and the functional significance of this variant is currently unknown. This variant has not been reported in the literature in individuals affected with CTNNA1-related conditions.